The following is an entry in ClinVar:

NM_005189.3(CBX2):c.288+52G>T

Gene: CBX2 (chromobox 2; plus strand). Cytogenetic location: 17q25.3.
Variant type: single nucleotide variant.
Coding change: c.288+52G>T on transcript NM_005189.3 (MANE Select); 52 bases into the intron after coding-DNA position 288, G replaced by T.
Molecular consequence: intron variant. On other transcripts: missense variant (1).
Genome position (GRCh38, 1-based): chr17:79,781,853, G>T. VCF-style: chr17-79781853-G-T. GRCh37 (hg19) VCF-style: chr17-77755652-G-T.
Other names: c.340G>T, p.Val114Leu (NM_032647.4); short protein forms V114L.
Identifiers: ClinVar variation 2634053 (VCV002634053.2), dbSNP rs201168057, ClinGen allele CA8811092.

ClinVar aggregate classification (germline): Uncertain significance. Review status: criteria provided, multiple submitters, no conflicts (2 of 4 stars). 2 submissions from 2 submitters: Uncertain significance (2). Last evaluated 2023-09-06.

Conditions:
Pure gonadal dysgenesis 46,XY. Also called: 46, XY complete gonadal dysgenesis; 46, XY pure gonadal dysgenesis; Gonadal dysgenesis, XY female type; 46,XY sex reversal; 46,XY complete gonadal dysgenesis; 46, XY CGD. Identifiers: Orphanet 242, MedGen C2936694, MONDO:0010765.
CBX2-related disorder. Also called: CBX2-related condition.

gnomAD v4.1: 153 of 1,613,940 alleles (0.0095%); highest among the groups gnomAD compares: Non-Finnish European, 0.013%; 1 homozygote.

Submissions (2):

PreventionGenetics, part of Exact Sciences
Classification: Uncertain significance for CBX2-related condition. Last evaluated: 2023-09-06. Review status: criteria provided, single submitter. Criteria: ACMG Guidelines, 2015. Collection method: clinical testing. Allele origin: germline.
Comment: The CBX2 c.340G>T variant is predicted to result in the amino acid substitution p.Val114Leu. To our knowledge, this variant has not been reported in the literature. This variant is reported in 0.012% of alleles in individuals of European (Non-Finnish) descent in gnomAD. At this time, the clinical significance of this variant is uncertain due to the absence of conclusive functional and genetic evidence.

Department of Pathology and Laboratory Medicine, Sinai Health System
Classification: Uncertain significance for 46,XY complete gonadal dysgenesis. Last evaluated: 2021-09-29. Review status: criteria provided, single submitter. Criteria: ACMG Guidelines, 2015. Collection method: research. Allele origin: germline.